The following is an entry in ClinVar:

NM_015041.3(CLUAP1):c.1138G>A (p.Glu380Lys)

Gene: CLUAP1 (clusterin associated protein 1; plus strand). Cytogenetic location: 16p13.3.
Variant type: single nucleotide variant.
Coding change: c.1138G>A on transcript NM_015041.3 (MANE Select); coding-DNA position 1138, G replaced by A.
Protein change: p.Glu380Lys; replaces glutamic acid 380 with lysine.
Molecular consequence: missense variant.
Genome position (GRCh38, 1-based): chr16:3,536,167, G>A. VCF-style: chr16-3536167-G-A. GRCh37 (hg19) VCF-style: chr16-3586167-G-A.
Other names: c.1195G>A, p.Glu399Lys (NM_001330454.2); c.640G>A, p.Glu214Lys (NM_024793.3); c.1138G>A (NM_015041.1); short protein forms E380K, E399K, E214K.
Identifiers: ClinVar variation 2119702 (VCV002119702.5), dbSNP rs774543364, ClinGen allele CA394516492.

ClinVar aggregate classification (germline): Uncertain significance. Review status: criteria provided, multiple submitters, no conflicts (2 of 4 stars). 2 submissions from 2 submitters: Uncertain significance (2). Last evaluated 2025-05-14.

Allele frequency attached by ClinVar (database versions not stated): gnomAD 0.00001; TOPMed 0.00001.
gnomAD v4.1: 15 of 1,614,030 alleles (0.00093%); highest among the groups gnomAD compares: Non-Finnish European, 0.0013%; no homozygotes.

Submissions (2):

Ambry Genetics
Classification: Uncertain significance. Last evaluated: 2025-05-14. Review status: criteria provided, single submitter. Criteria: Ambry Variant Classification Scheme 2023. Collection method: clinical testing. Allele origin: germline.

Labcorp Genetics (formerly Invitae), Labcorp
Classification: Uncertain significance. Last evaluated: 2022-03-30. Review status: criteria provided, single submitter. Criteria: Invitae Variant Classification Sherloc (09022015). Collection method: clinical testing. Allele origin: germline.
Comment: This sequence change replaces glutamic acid, which is acidic and polar, with lysine, which is basic and polar, at codon 380 of the CLUAP1 protein (p.Glu380Lys). This variant is not present in population databases (gnomAD no frequency). This variant has not been reported in the literature in individuals affected with CLUAP1-related conditions. Algorithms developed to predict the effect of missense changes on protein structure and function (SIFT, PolyPhen-2, Align-GVGD) all suggest that this variant is likely to be tolerated. In summary, the available evidence is currently insufficient to determine the role of this variant in disease. Therefore, it has been classified as a Variant of Uncertain Significance.